The following is an entry in ClinVar:

ClinVar aggregate classification (germline): Uncertain significance (1 of 4 stars; one submission).

gnomAD v4.1: 4 of 1,606,672 alleles (0.00025%); highest among the groups gnomAD compares: Admixed American, 0.0017%; no homozygotes.

Submission:

Mayo Clinic Laboratories, Mayo Clinic
Classification: Uncertain significance. Last evaluated: 2024-08-20. Review status: criteria provided, single submitter. Criteria: ACMG Guidelines, 2015. Collection method: clinical testing. Allele origin: germline. Observed: 1 variant allele.
Comment: PM2

NM_007259.5(VPS45):c.922A>G (p.Ile308Val)

Gene: VPS45 (vacuolar protein sorting 45 homolog; plus strand). Cytogenetic location: 1q21.2.
Variant type: single nucleotide variant.
Coding change: c.922A>G on transcript NM_007259.5 (MANE Select); coding-DNA position 922, A replaced by G.
Protein change: p.Ile308Val; replaces isoleucine 308 with valine.
Molecular consequence: missense variant. On other transcripts: non-coding transcript variant (1).
Genome position (GRCh38, 1-based): chr1:150,081,983, A>G. VCF-style: chr1-150081983-A-G. GRCh37 (hg19) VCF-style: chr1-150054065-A-G.
Other names: p.Ile308Val; c.607A>G, p.Ile203Val (NM_001279353.2); c.814A>G, p.Ile272Val (NM_001279354.2); short protein forms I203V, I272V, I308V.
Identifiers: ClinVar variation 3379882 (VCV003379882.1).